The following is an entry in ClinVar:

NM_018979.4(WNK1):c.3538C>A (p.Gln1180Lys)

Gene: WNK1 (WNK lysine deficient protein kinase 1; plus strand). Cytogenetic location: 12p13.33.
Variant type: single nucleotide variant.
Coding change: c.3538C>A on transcript NM_018979.4 (MANE Select); coding-DNA position 3538, C replaced by A.
Protein change: p.Gln1180Lys; replaces glutamine 1180 with lysine.
Molecular consequence: missense variant.
Genome position (GRCh38, 1-based): chr12:883,443, C>A. VCF-style: chr12-883443-C-A. GRCh37 (hg19) VCF-style: chr12-992609-C-A.
Other names: c.4318C>A, p.Gln1440Lys (NM_001184985.2); c.2797C>A, p.Gln933Lys (NM_014823.3); c.4294C>A, p.Gln1432Lys (NM_213655.5); short protein forms Q1432K, Q933K, Q1440K, Q1180K.
Identifiers: ClinVar variation 855289 (VCV000855289.9), dbSNP rs1953360582, ClinGen allele CA383328984.

ClinVar aggregate classification (germline): Uncertain significance (1 of 4 stars; one submission).

Conditions:
Pseudohypoaldosteronism type 2C (PHA2C). Also called: Pseudohypoaldosteronism Type IIC. Identifiers: Orphanet 757, Orphanet 88940, MedGen C1840391, MONDO:0013778, OMIM 614492.
Neuropathy, hereditary sensory and autonomic, type 2A (HSAN2A). Also called: ACROOSTEOLYSIS, GIACCAI TYPE; ACROOSTEOLYSIS, NEUROGENIC; MORVAN DISEASE; NEUROPATHY, CONGENITAL SENSORY; NEUROPATHY, HEREDITARY SENSORY RADICULAR, AUTOSOMAL RECESSIVE; NEUROPATHY, HEREDITARY SENSORY, TYPE IIA. Identifiers: Orphanet 970, MedGen C2752089, MONDO:0024309, OMIM 201300.

Submission:

Labcorp Genetics (formerly Invitae), Labcorp
Classification: Uncertain significance for Neuropathy, hereditary sensory and autonomic, type 2A; Pseudohypoaldosteronism type 2C. Last evaluated: 2022-08-15. Review status: criteria provided, single submitter. Criteria: Invitae Variant Classification Sherloc (09022015). Collection method: clinical testing. Allele origin: germline.
Comment: Advanced modeling of protein sequence and biophysical properties (such as structural, functional, and spatial information, amino acid conservation, physicochemical variation, residue mobility, and thermodynamic stability) performed at Invitae indicates that this missense variant is not expected to disrupt WNK1 protein function. In summary, the available evidence is currently insufficient to determine the role of this variant in disease. Therefore, it has been classified as a Variant of Uncertain Significance. This sequence change replaces glutamine, which is neutral and polar, with lysine, which is basic and polar, at codon 1432 of the WNK1 protein (p.Gln1432Lys). This variant is not present in population databases (gnomAD no frequency). This variant has not been reported in the literature in individuals affected with WNK1-related conditions. ClinVar contains an entry for this variant (Variation ID: 855289).